The following continues an entry in ClinVar:

NM_000257.4(MYH7):c.2711G>A (p.Arg904His)

Gene: MYH7. ClinVar aggregate classification (germline): Pathogenic. Pathogenic (1).

Submissions 8 to 16 of 16:

Ambry Genetics
Classification: Pathogenic for Cardiovascular phenotype. Last evaluated: 2023-05-22. Review status: criteria provided, single submitter. Criteria: Ambry Variant Classification Scheme 2023. Collection method: clinical testing. Allele origin: germline. Not counted in ClinVar's aggregate classification.
Comment: The p.R904H pathogenic mutation (also known as c.2711G>A), located in coding exon 21 of the MYH7 gene, results from a G to A substitution at nucleotide position 2711. The arginine at codon 904 is replaced by histidine, an amino acid with highly similar properties. This variant has been detected in multiple individuals with dilated cardiomyopathy (DCM) and was reported as a de novo alteration in several cases (Waldm&uuml;ller S et al. Eur. J. Heart Fail., 2011 Nov;13:1185-92; Lakdawala NK et al. J. Card. Fail., 2012 Apr;18:296-303; Chami N et al. Can J Cardiol, 2014 Dec;30:1655-61; Walsh R et al. Genet. Med., 2017 02;19:192-203; personal communication; Ambry internal data). In addition, this variant was shown to segregate with DCM in one small family (Chami N et al. Can J Cardiol, 2014 Dec;30:1655-61). This variant is considered to be rare based on population cohorts in the Genome Aggregation Database (gnomAD). This amino acid position is highly conserved in available vertebrate species. In addition, this alteration is predicted to be deleterious by in silico analysis. Based on the supporting evidence, this alteration is interpreted as a disease-causing mutation.

GeneDx
Classification: Pathogenic. Last evaluated: 2023-02-27. Review status: criteria provided, single submitter. Criteria: GeneDx Variant Classification Process June 2021. Collection method: clinical testing. Allele origin: germline. Affected: yes. Not counted in ClinVar's aggregate classification.
Comment: Not observed at significant frequency in large population cohorts (gnomAD); In silico analysis supports that this missense variant has a deleterious effect on protein structure/function; This variant is associated with the following publications: (PMID: 21750094, 34935411, 27532257, 25448463, 22464770, 24503780, 31514951, 31983221, 34136434, 35288587, 29300372)

Laboratory for Molecular Medicine, Mass General Brigham Personalized Medicine
Classification: Pathogenic for Primary dilated cardiomyopathy. Last evaluated: 2021-05-06. Review status: criteria provided, single submitter. Criteria: ACMG Guidelines, 2015. Collection method: clinical testing. Allele origin: germline. Inheritance: Autosomal dominant inheritance. Not counted in ClinVar's aggregate classification.
Comment: The p.Arg904His variant in MYH7 has been reported in at least 15 individuals with dilated cardiomyopathy (DCM), including 5 with infantile onset DCM and occurred de novo in at least 3 of these infants. This variant also segregated with disease in 7 affected individuals from 4 families (Waldmüller 2011 PMID:21750094, Lakdawala 2012 PMID:22464770, Pugh 2014 PMID:24503780, Chami 2014 PMID:25448463, Walsh 2017 PMID:27532257, Gigli 2019 PMID:31514951, Mazzarotto 2020 PMID: 31983221, Ambry pers. comm., GeneDx pers. comm., Invitae pers. comm, OMGL pers. comm., LMM data). It was absent from large population studies. Computational prediction tools and conservation analyses suggest that this variant may impact the protein. In summary, this variant meets criteria to be classified as pathogenic for autosomal dominant DCM. ACMG/AMP Criteria applied: PS4, PP1_Strong, PM6_Strong, PM2_Supporting, PP3.

Clinical Genetics Laboratory, Region Ostergotland
Classification: Pathogenic for Dilated cardiomyopathy 1S. Last evaluated: 2019-12-19. Review status: criteria provided, single submitter. Criteria: ACMG Guidelines, 2015. Collection method: clinical testing. Allele origin: germline. Affected: yes. Not counted in ClinVar's aggregate classification.
Comment: PS4, PM2, PM6, PP3, PP5, PM5

CHEO Genetics Diagnostic Laboratory, Children's Hospital of Eastern Ontario
Classification: Likely pathogenic for Cardiomyopathy. Last evaluated: 2016-11-09. Review status: criteria provided, single submitter. Criteria: ACMG Guidelines, 2015. Collection method: clinical testing. Allele origin: germline. Study: Canadian Open Genetics Repository. Not counted in ClinVar's aggregate classification.

Molecular Diagnostic Laboratory for Inherited Cardiovascular Disease, Montreal Heart Institute
Classification: Pathogenic for Familial dilated cardiomyopathy. Review status: criteria provided, single submitter. Criteria: ACMG Guidelines, 2015. Collection method: clinical testing. Allele origin: germline. Affected: yes. Not counted in ClinVar's aggregate classification.

Clinical Genetics, Academic Medical Center
Classification: Pathogenic. Review status: no assertion criteria provided. Collection method: clinical testing. Allele origin: germline. Affected: yes. Study: VKGL Data-share Consensus. Not counted in ClinVar's aggregate classification.

Diagnostic Laboratory, Department of Genetics, University Medical Center Groningen
Classification: Pathogenic. Review status: no assertion criteria provided. Collection method: clinical testing. Allele origin: germline. Affected: yes. Study: VKGL Data-share Consensus. Not counted in ClinVar's aggregate classification.

Genome Diagnostics Laboratory, University Medical Center Utrecht
Classification: Pathogenic. Review status: no assertion criteria provided. Collection method: clinical testing. Allele origin: germline. Affected: yes. Study: VKGL Data-share Consensus. Not counted in ClinVar's aggregate classification.

Literature cited by the submitters: PubMed 21750094 (cited by 5 submitters); PubMed 20573160 (cited by 3billion); PubMed 22464770 (cited by 4 submitters); PubMed 25448463 (cited by 5 submitters); PubMed 27532257 (cited by 4 submitters); PubMed 24503780 (cited by All of Us Research Program, National Institutes of Health and Ambry Genetics); PubMed 31514951 (cited by All of Us Research Program, National Institutes of Health and Laboratory for Molecular Medicine, Mass General Brigham Personalized Medicine); PubMed 24714796 (cited by Victorian Clinical Genetics Services, Murdoch Childrens Research Institute); PubMed 29300372 (cited by Victorian Clinical Genetics Services, Murdoch Childrens Research Institute); PubMed 34935411 (cited by Victorian Clinical Genetics Services, Murdoch Childrens Research Institute); PubMed 29773157 (cited by Ambry Genetics); PubMed 21943931 (cited by Laboratory for Molecular Medicine, Mass General Brigham Personalized Medicine); PubMed 26025024 (cited by Laboratory for Molecular Medicine, Mass General Brigham Personalized Medicine); PubMed 31983221 (cited by Laboratory for Molecular Medicine, Mass General Brigham Personalized Medicine).